The following is an entry in ClinVar:

ClinVar aggregate classification (germline): Uncertain significance (1 of 4 stars; one submission).

gnomAD v4.1: 7 of 1,614,102 alleles (0.00043%); highest among the groups gnomAD compares: Non-Finnish European, 0.00059%; no homozygotes.

Submission:

Labcorp Genetics (formerly Invitae), Labcorp
Classification: Uncertain significance. Last evaluated: 2025-07-27. Review status: criteria provided, single submitter. Criteria: Invitae Variant Classification Sherloc (09022015). Collection method: clinical testing. Allele origin: germline.
Comment: This sequence change replaces valine, which is neutral and non-polar, with alanine, which is neutral and non-polar, at codon 1393 of the KMT2E protein (p.Val1393Ala). This variant is not present in population databases (gnomAD no frequency). This variant has not been reported in the literature in individuals affected with KMT2E-related conditions. Invitae Evidence Modeling of protein sequence and biophysical properties (such as structural, functional, and spatial information, amino acid conservation, physicochemical variation, residue mobility, and thermodynamic stability) indicates that this missense variant is not expected to disrupt KMT2E protein function with a negative predictive value of 80%. In summary, the available evidence is currently insufficient to determine the role of this variant in disease. Therefore, it has been classified as a Variant of Uncertain Significance.

NM_182931.3(KMT2E):c.4178T>C (p.Val1393Ala)

Gene: KMT2E (lysine methyltransferase 2E (inactive); plus strand). Cytogenetic location: 7q22.3.
Variant type: single nucleotide variant.
Coding change: c.4178T>C on transcript NM_182931.3 (MANE Select); coding-DNA position 4178, T replaced by C.
Protein change: p.Val1393Ala; replaces valine 1393 with alanine.
Molecular consequence: missense variant.
Genome position (GRCh38, 1-based): chr7:105,111,934, T>C. VCF-style: chr7-105111934-T-C. GRCh37 (hg19) VCF-style: chr7-104752381-T-C.
Other names: c.4052T>C, p.Val1351Ala (NM_001410908.1); c.4178T>C, p.Val1393Ala (NM_018682.4); short protein forms V1351A, V1393A.
Identifiers: ClinVar variation 4763589 (VCV004763589.1).